The following is an entry in ClinVar:

ClinVar aggregate classification (germline): Uncertain significance. Review status: criteria provided, multiple submitters, no conflicts (2 of 4 stars). 2 submissions from 2 submitters: Uncertain significance (2). Last evaluated 2025-12-31.

Conditions:
Baraitser-winter syndrome 2. Identifiers: Orphanet 2995, MedGen C3281235, MONDO:0013812, OMIM 614583.
Autosomal dominant nonsyndromic hearing loss 20. Identifiers: Orphanet 90635, MedGen C1858172, MONDO:0011480, OMIM 604717.

Allele frequency attached by ClinVar (database versions not stated): gnomAD exomes below 0.00001.
gnomAD v4.1: 3 of 1,613,910 alleles (0.00019%); highest among the groups gnomAD compares: Non-Finnish European, 0.00025%; no homozygotes.

Submissions (2):

Labcorp Genetics (formerly Invitae), Labcorp
Classification: Uncertain significance for Baraitser-winter syndrome 2; Autosomal dominant nonsyndromic hearing loss 20. Last evaluated: 2025-12-31. Review status: criteria provided, single submitter. Criteria: Invitae Variant Classification Sherloc (09022015). Collection method: clinical testing. Allele origin: germline.
Comment: This sequence change replaces isoleucine, which is neutral and non-polar, with valine, which is neutral and non-polar, at codon 212 of the ACTG1 protein (p.Ile212Val). This variant is not present in population databases (gnomAD no frequency). This variant has not been reported in the literature in individuals affected with ACTG1-related conditions. ClinVar contains an entry for this variant (Variation ID: 1176366). Invitae Evidence Modeling of protein sequence and biophysical properties (such as structural, functional, and spatial information, amino acid conservation, physicochemical variation, residue mobility, and thermodynamic stability) indicates that this missense variant is not expected to disrupt ACTG1 protein function with a negative predictive value of 80%. In summary, the available evidence is currently insufficient to determine the role of this variant in disease. Therefore, it has been classified as a Variant of Uncertain Significance.

CeGaT Center for Human Genetics Tuebingen
Classification: Uncertain significance. Last evaluated: 2021-04-01. Review status: criteria provided, single submitter. Criteria: CeGaT Center For Human Genetics Tuebingen Variant Classification Criteria Version 2. Collection method: clinical testing. Allele origin: germline. Affected: yes. Observed: 1 variant allele.

NM_001614.5(ACTG1):c.634A>G (p.Ile212Val)

Gene: ACTG1 (actin gamma 1; minus strand). Cytogenetic location: 17q25.3.
Variant type: single nucleotide variant.
Coding change: c.634A>G on transcript NM_001614.5 (MANE Select); coding-DNA position 634, A replaced by G.
Protein change: p.Ile212Val; replaces isoleucine 212 with valine.
Molecular consequence: missense variant. On other transcripts: non-coding transcript variant (1).
Genome position (GRCh38, 1-based): chr17:81,511,356, T>C on the plus strand (A>G on the coding strand, the complement: ACTG1 is on the minus strand). VCF-style: chr17-81511356-T-C. GRCh37 (hg19) VCF-style: chr17-79478382-T-C.
Other names: c.634A>G, p.Ile212Val (NM_001199954.3); short protein forms I212V.
Identifiers: ClinVar variation 1176366 (VCV001176366.36), dbSNP rs2143777933, ClinGen allele CA401460335.